The following is an entry in ClinVar:

ClinVar aggregate classification (germline): Benign. Review status: criteria provided, multiple submitters, no conflicts (2 of 4 stars). 4 submissions from 4 submitters: Benign (4). Last evaluated 2025-12-25.

Allele frequency attached by ClinVar (database versions not stated): gnomAD 0.00004 and 0.00115; ESP Exome Variant Server 0.00008; TOPMed 0.00036; gnomAD exomes 0.00253 and 0.00545; 1000 Genomes Project 0.00519; 1000 Genomes Project 30x 0.00531; ExAC 0.00629.
gnomAD v4.1: 3,872 of 1,609,440 alleles (0.24%); highest among the groups gnomAD compares: South Asian, 4%; 117 homozygotes.

Submissions (4):

Labcorp Genetics (formerly Invitae), Labcorp
Classification: Benign. Last evaluated: 2025-12-25. Review status: criteria provided, single submitter. Criteria: Invitae Variant Classification Sherloc (09022015). Collection method: clinical testing. Allele origin: germline.

GeneDx
Classification: Benign. Last evaluated: 2017-12-29. Review status: criteria provided, single submitter. Criteria: GeneDx Variant Classification (06012015). Collection method: clinical testing. Allele origin: germline. Affected: yes.
Comment: This variant is considered likely benign or benign based on one or more of the following criteria: it is a conservative change, it occurs at a poorly conserved position in the protein, it is predicted to be benign by multiple in silico algorithms, and/or has population frequency not consistent with disease.

Laboratory for Molecular Medicine, Mass General Brigham Personalized Medicine
Classification: Benign. Last evaluated: 2016-04-07. Review status: criteria provided, single submitter. Criteria: LMM Criteria. Collection method: clinical testing. Allele origin: germline. Observed: 2 variant alleles.
Comment: p.Asn17Asn in exon 3 of CEACAM16: This variant is not expected to have clinical significance because it does not alter an amino acid residue and is not located within the splice consensus sequence. It has been identified in 699/15188 (4.6%) of South Asian chromosomes including 24 homozygotes by the Exome Aggregation Co nsortium (ExAC; dbSNP rs202230938).

Eurofins Ntd Llc (ga)
Classification: Benign. Last evaluated: 2015-01-16. Review status: criteria provided, single submitter. Criteria: EGL Classification Definitions 2015. Collection method: clinical testing. Allele origin: germline. Observed: 1 variant allele, 1 heterozygote.

NM_001039213.4(CEACAM16):c.51T>C (p.Asn17=)

Genes: CEACAM16 (CEA cell adhesion molecule 16, tectorial membrane component; plus strand), CEACAM16-AS1 (CEACAM16, CEACAM19 and PVR antisense RNA 1; minus strand). Cytogenetic location: 19q13.32.
Variant type: single nucleotide variant.
Coding change: c.51T>C on transcript NM_001039213.4 (MANE Select); coding-DNA position 51, T replaced by C.
Protein change: p.Asn17=; no amino-acid change (asparagine 17 retained).
Molecular consequence: synonymous variant.
Genome position (GRCh38, 1-based): chr19:44,703,362, T>C. VCF-style: chr19-44703362-T-C. GRCh37 (hg19) VCF-style: chr19-45206632-T-C.
Identifiers: ClinVar variation 196306 (VCV000196306.15), dbSNP rs202230938, ClinGen allele CA202274.